The following is an entry in ClinVar:

ClinVar aggregate classification (germline): Uncertain significance (1 of 4 stars; one submission).

Conditions:
Joubert syndrome. Also called: CEREBELLOPARENCHYMAL DISORDER IV; JOUBERT-BOLTSHAUSER SYNDROME; Familial aplasia of the vermis. Identifiers: Orphanet 475, MedGen C5979921, MONDO:0018772.
Orofaciodigital syndrome I (OFD1). Also called: OFDS I; Papillon-Leage and Psaume Syndrome; Oral-Facial-Digital Syndrome Type I. Identifiers: Orphanet 2750, MedGen C1510460, MONDO:0010702, OMIM 311200.

gnomAD v4.1: 1 of 1,201,699 alleles (0.000083%); highest among the groups gnomAD compares: South Asian, 0.0018%; no homozygotes.

Submission:

Labcorp Genetics (formerly Invitae), Labcorp
Classification: Uncertain significance for Orofaciodigital syndrome I; Joubert syndrome. Last evaluated: 2024-11-28. Review status: criteria provided, single submitter. Criteria: Invitae Variant Classification Sherloc (09022015). Collection method: clinical testing. Allele origin: germline.
Comment: This sequence change replaces aspartic acid, which is acidic and polar, with histidine, which is basic and polar, at codon 541 of the OFD1 protein (p.Asp541His). This variant is not present in population databases (gnomAD no frequency). This variant has not been reported in the literature in individuals affected with OFD1-related conditions. Invitae Evidence Modeling of protein sequence and biophysical properties (such as structural, functional, and spatial information, amino acid conservation, physicochemical variation, residue mobility, and thermodynamic stability) has been performed for this missense variant. However, the output from this modeling did not meet the statistical confidence thresholds required to predict the impact of this variant on OFD1 protein function. In summary, the available evidence is currently insufficient to determine the role of this variant in disease. Therefore, it has been classified as a Variant of Uncertain Significance.

NM_003611.3(OFD1):c.1621G>C (p.Asp541His)

Gene: OFD1 (OFD1 centriole and centriolar satellite protein; plus strand). Cytogenetic location: Xp22.2.
Variant type: single nucleotide variant.
Coding change: c.1621G>C on transcript NM_003611.3 (MANE Select); coding-DNA position 1621, G replaced by C.
Protein change: p.Asp541His; replaces aspartic acid 541 with histidine.
Molecular consequence: missense variant.
Genome position (GRCh38, 1-based): chrX:13,758,415, G>C. VCF-style: chrX-13758415-G-C. GRCh37 (hg19) VCF-style: chrX-13776534-G-C.
Other names: c.1501G>C, p.Asp501His (NM_001330209.2); c.1201G>C, p.Asp401His (NM_001330210.2); short protein forms D401H, D501H, D541H.
Identifiers: ClinVar variation 3751027 (VCV003751027.2).